The following is an entry in ClinVar:

NM_002890.3(RASA1):c.776T>C (p.Val259Ala)

Genes: CCNH (cyclin H; minus strand), RASA1 (RAS p21 protein activator 1; plus strand). Cytogenetic location: 5q14.3.
Variant type: single nucleotide variant.
Coding change: c.776T>C on transcript NM_002890.3 (MANE Select); coding-DNA position 776, T replaced by C.
Protein change: p.Val259Ala; replaces valine 259 with alanine.
Molecular consequence: missense variant. On other transcripts: intron variant (1).
Genome position (GRCh38, 1-based): chr5:87,332,590, T>C. VCF-style: chr5-87332590-T-C. GRCh37 (hg19) VCF-style: chr5-86628407-T-C.
Other names: c.245T>C, p.Val82Ala (NM_022650.3); c.934-19795A>G (NM_001364075.2); short protein forms V82A, V259A.
Identifiers: ClinVar variation 3647260 (VCV003647260.2).

ClinVar aggregate classification (germline): Uncertain significance. Review status: criteria provided, multiple submitters, no conflicts (2 of 4 stars). 2 submissions from 2 submitters: Uncertain significance (2). Last evaluated 2025-09-18.

Conditions:
Cardiovascular phenotype. Identifiers: MedGen CN230736.
Capillary malformation-arteriovenous malformation syndrome. Also called: Capillary malformation-arteriovenous malformation. Identifiers: Orphanet 137667, MedGen C1842180, MONDO:0012016.

gnomAD v4.1: 3 of 1,610,772 alleles (0.00019%); highest among the groups gnomAD compares: African/African-American, 0.004%; no homozygotes.

Submissions (2):

Ambry Genetics
Classification: Uncertain significance for Cardiovascular phenotype. Last evaluated: 2025-09-18. Review status: criteria provided, single submitter. Criteria: Ambry Variant Classification Scheme 2023. Collection method: clinical testing. Allele origin: germline.
Comment: The p.V259A variant (also known as c.776T>C), located in coding exon 3 of the RASA1 gene, results from a T to C substitution at nucleotide position 776. The valine at codon 259 is replaced by alanine, an amino acid with similar properties. This amino acid position is conserved. In addition, this alteration is predicted to be tolerated by in silico analysis. Based on the available evidence, the clinical significance of this variant remains unclear.

Labcorp Genetics (formerly Invitae), Labcorp
Classification: Uncertain significance for Capillary malformation-arteriovenous malformation syndrome. Last evaluated: 2024-10-05. Review status: criteria provided, single submitter. Criteria: Invitae Variant Classification Sherloc (09022015). Collection method: clinical testing. Allele origin: germline.
Comment: This sequence change replaces valine, which is neutral and non-polar, with alanine, which is neutral and non-polar, at codon 259 of the RASA1 protein (p.Val259Ala). This variant is present in population databases (rs750237587, gnomAD 0.007%). This variant has not been reported in the literature in individuals affected with RASA1-related conditions. An algorithm developed to predict the effect of missense changes on protein structure and function (PolyPhen-2) suggests that this variant is likely to be tolerated. In summary, the available evidence is currently insufficient to determine the role of this variant in disease. Therefore, it has been classified as a Variant of Uncertain Significance.